The following is an entry in ClinVar:

ClinVar aggregate classification (germline): Conflicting classifications of pathogenicity. Review status: criteria provided, conflicting classifications (1 of 4 stars). 4 submissions from 4 submitters: Uncertain significance (3); Likely benign (1). Last evaluated 2026-01-19.

Conditions:
LRRC8A-related disorder. Also called: LRRC8A-related condition.
Agammaglobulinemia 5, autosomal dominant (AGM5). Also called: AGAMMAGLOBULINEMIA, AUTOSOMAL DOMINANT, DUE TO LRRC8A DEFECT. Identifiers: MedGen C3150753, MONDO:0013290, OMIM 613506.

Allele frequency attached by ClinVar (database versions not stated): TOPMed 0.00003; gnomAD 0.00004 and 0.00005; ESP Exome Variant Server 0.00008; gnomAD exomes 0.00009 and 0.00011; ExAC 0.00012.
gnomAD v4.1: 142 of 1,613,106 alleles (0.0088%); highest among the groups gnomAD compares: South Asian, 0.086%; no homozygotes.

Submissions (4):

Labcorp Genetics (formerly Invitae), Labcorp
Classification: Uncertain significance. Last evaluated: 2026-01-19. Review status: criteria provided, single submitter. Criteria: Invitae Variant Classification Sherloc (09022015). Collection method: clinical testing. Allele origin: germline.
Comment: This sequence change replaces alanine, which is neutral and non-polar, with valine, which is neutral and non-polar, at codon 529 of the LRRC8A protein (p.Ala529Val). This variant is present in population databases (rs150164316, gnomAD 0.07%), and has an allele count higher than expected for a pathogenic variant. This variant has not been reported in the literature in individuals affected with LRRC8A-related conditions. ClinVar contains an entry for this variant (Variation ID: 801366). An algorithm developed to predict the effect of missense changes on protein structure and function (PolyPhen-2) suggests that this variant is likely to be disruptive. In summary, the available evidence is currently insufficient to determine the role of this variant in disease. Therefore, it has been classified as a Variant of Uncertain Significance.

Ambry Genetics
Classification: Uncertain significance. Last evaluated: 2025-01-18. Review status: criteria provided, single submitter. Criteria: Ambry Variant Classification Scheme 2023. Collection method: clinical testing. Allele origin: germline.

PreventionGenetics, part of Exact Sciences
Classification: Uncertain significance for LRRC8A-related condition. Last evaluated: 2023-07-07. Review status: criteria provided, single submitter. Criteria: ACMG Guidelines, 2015. Collection method: clinical testing. Allele origin: germline.
Comment: The LRRC8A c.1586C>T variant is predicted to result in the amino acid substitution p.Ala529Val. To our knowledge, this variant has not been reported in the literature. This variant is reported in 0.069% of alleles in individuals of South Asian descent in gnomAD, which may be too common to be causative of autosomal dominant disease. Although we suspect that this variant may be benign, at this time, the clinical significance of this variant is uncertain due to the absence of conclusive functional and genetic evidence.

Mendelics
Classification: Likely benign for Agammaglobulinemia 5, autosomal dominant. Last evaluated: 2019-05-28. Review status: criteria provided, single submitter. Criteria: Mendelics Assertion Criteria 2017. Collection method: clinical testing. Allele origin: unknown.

NM_019594.4(LRRC8A):c.1586C>T (p.Ala529Val)

Gene: LRRC8A (leucine rich repeat containing 8 VRAC subunit A; plus strand). Cytogenetic location: 9q34.11.
Variant type: single nucleotide variant.
Coding change: c.1586C>T on transcript NM_019594.4 (MANE Select); coding-DNA position 1586, C replaced by T.
Protein change: p.Ala529Val; replaces alanine 529 with valine.
Molecular consequence: missense variant.
Genome position (GRCh38, 1-based): chr9:128,908,750, C>T. VCF-style: chr9-128908750-C-T. GRCh37 (hg19) VCF-style: chr9-131671029-C-T.
Other names: c.1586C>T, p.Ala529Val (NM_001127244.2, NM_001127245.2); c.1586C>T (NM_019594.3, NM_001127244.1); short protein forms A529V.
Identifiers: ClinVar variation 801366 (VCV000801366.8), dbSNP rs150164316, ClinGen allele CA5270916.